The following is an entry in ClinVar:

NM_194248.3(OTOF):c.5292-9C>T

Gene: OTOF (otoferlin; minus strand). Cytogenetic location: 2p23.3.
Variant type: single nucleotide variant.
Coding change: c.5292-9C>T on transcript NM_194248.3 (MANE Select); 9 bases into the intron before coding-DNA position 5292, C replaced by T.
Molecular consequence: intron variant.
Genome position (GRCh38, 1-based): chr2:26,461,946, G>A on the plus strand (C>T on the coding strand, the complement: OTOF is on the minus strand). VCF-style: chr2-26461946-G-A. GRCh37 (hg19) VCF-style: chr2-26684814-G-A.
Other names: c.5292-9C>T (NM_001287489.2); c.2991-9C>T (NM_194323.3, NM_004802.4); c.3222-9C>T (NM_194322.3).
Identifiers: ClinVar variation 289435 (VCV000289435.23), dbSNP rs372713647, ClinGen allele CA1562854.

ClinVar aggregate classification (germline): Conflicting classifications of pathogenicity. Review status: criteria provided, conflicting classifications (1 of 4 stars). 5 submissions from 5 submitters: Uncertain significance (2); Likely benign (3). Last evaluated 2026-01-24.

Allele frequency attached by ClinVar (database versions not stated): gnomAD exomes 0.00004 and 0.00011; ExAC 0.00019; 1000 Genomes Project 0.00020; 1000 Genomes Project 30x 0.00031; gnomAD 0.00036 and 0.00043; TOPMed 0.00037; ESP Exome Variant Server 0.00077.
gnomAD v4.1: 126 of 1,613,958 alleles (0.0078%); highest among the groups gnomAD compares: African/African-American, 0.11%; 1 homozygote.

Submissions (5):

Labcorp Genetics (formerly Invitae), Labcorp
Classification: Likely benign. Last evaluated: 2026-01-24. Review status: criteria provided, single submitter. Criteria: Invitae Variant Classification Sherloc (09022015). Collection method: clinical testing. Allele origin: germline.

Blueprint Genetics
Classification: Likely benign. Last evaluated: 2024-09-26. Review status: criteria provided, single submitter. Criteria: ACMG Guidelines, 2015. Collection method: clinical testing. Allele origin: germline.

GeneDx
Classification: Likely benign. Last evaluated: 2018-03-23. Review status: criteria provided, single submitter. Criteria: GeneDx Variant Classification (06012015). Collection method: clinical testing. Allele origin: germline. Affected: yes.
Comment: This variant is considered likely benign or benign based on one or more of the following criteria: it is a conservative change, it occurs at a poorly conserved position in the protein, it is predicted to be benign by multiple in silico algorithms, and/or has population frequency not consistent with disease.

ARUP Laboratories, Molecular Genetics and Genomics, ARUP Laboratories
Classification: Uncertain significance. Last evaluated: 2017-05-02. Review status: criteria provided, single submitter. Criteria: ARUP Molecular Germline Variant Investigation Process. Collection method: clinical testing. Allele origin: germline.

Eurofins Ntd Llc (ga)
Classification: Uncertain significance. Last evaluated: 2016-08-03. Review status: criteria provided, single submitter. Criteria: EGL Classification Definitions 2015. Collection method: clinical testing. Allele origin: germline. Observed: 1 variant allele, 1 heterozygote.